The following is an entry in ClinVar:

NM_004369.4(COL6A3):c.6622G>A (p.Ala2208Thr)

Gene: COL6A3 (collagen type VI alpha 3 chain; minus strand). Cytogenetic location: 2q37.3.
Variant type: single nucleotide variant.
Coding change: c.6622G>A on transcript NM_004369.4 (MANE Select); coding-DNA position 6622, G replaced by A.
Protein change: p.Ala2208Thr; replaces alanine 2208 with threonine.
Molecular consequence: missense variant.
Genome position (GRCh38, 1-based): chr2:237,354,904, C>T on the plus strand (G>A on the coding strand, the complement: COL6A3 is on the minus strand). VCF-style: chr2-237354904-C-T. GRCh37 (hg19) VCF-style: chr2-238263547-C-T.
Other names: c.4801G>A, p.Ala1601Thr (NM_057166.5); c.6004G>A, p.Ala2002Thr (NM_057167.4); short protein forms A2002T, A2208T, A1601T.
Identifiers: ClinVar variation 898953 (VCV000898953.8), dbSNP rs398124129, ClinGen allele CA2188169.

ClinVar aggregate classification (germline): Conflicting classifications of pathogenicity. Review status: criteria provided, conflicting classifications (1 of 4 stars). 2 submissions from 2 submitters: Uncertain significance (1); Likely benign (1). Last evaluated 2025-04-28.

Conditions:
Bethlem myopathy 1A. Also called: MYOPATHY, BENIGN CONGENITAL, WITH CONTRACTURES; Bethlem myopathy 1; Bethlem Muscular Dystrophy. Identifiers: Orphanet 610, MedGen CN029274, MONDO:0024530, OMIM 158810.
Collagen 6-related myopathy. Identifiers: MedGen CN117976, MONDO:0100225.

Allele frequency attached by ClinVar (database versions not stated): ExAC 0.00002.
gnomAD v4.1: 11 of 1,613,838 alleles (0.00068%); highest among the groups gnomAD compares: Non-Finnish European, 0.00093%; no homozygotes.

Submissions (2):

Labcorp Genetics (formerly Invitae), Labcorp
Classification: Uncertain significance for Bethlem myopathy 1A. Last evaluated: 2025-04-28. Review status: criteria provided, single submitter. Criteria: Invitae Variant Classification Sherloc (09022015). Collection method: clinical testing. Allele origin: germline.
Comment: This sequence change replaces alanine, which is neutral and non-polar, with threonine, which is neutral and polar, at codon 2208 of the COL6A3 protein (p.Ala2208Thr). This variant is present in population databases (rs398124129, gnomAD 0.003%). This variant has not been reported in the literature in individuals affected with COL6A3-related conditions. ClinVar contains an entry for this variant (Variation ID: 898953). Invitae Evidence Modeling of protein sequence and biophysical properties (such as structural, functional, and spatial information, amino acid conservation, physicochemical variation, residue mobility, and thermodynamic stability) indicates that this missense variant is not expected to disrupt COL6A3 protein function with a negative predictive value of 80%. In summary, the available evidence is currently insufficient to determine the role of this variant in disease. Therefore, it has been classified as a Variant of Uncertain Significance.

Illumina Laboratory Services, Illumina
Classification: Likely benign for Collagen VI-related myopathy. Last evaluated: 2018-01-13. Review status: criteria provided, single submitter. Criteria: ICSL Variant Classification Criteria 13 December 2019. Collection method: clinical testing. Allele origin: germline.
Comment: This variant was observed in the ICSL laboratory as part of a predisposition screen in an ostensibly healthy population. It had not been previously curated by ICSL or reported in the Human Gene Mutation Database (HGMD: prior to June 1st, 2018), and was therefore a candidate for classification through an automated scoring system. Utilizing variant allele frequency, disease prevalence and penetrance estimates, and inheritance mode, an automated score was calculated to assess if this variant is too frequent to cause the disease. Based on the score and internal cut-off values, a variant classified as likely benign is not then subjected to further curation. The score for this variant resulted in a classification of likely benign for this disease.